The following is an entry in ClinVar:

NM_001001557.4(GDF6):c.1268C>A (p.Thr423Asn)

Gene: GDF6 (growth differentiation factor 6; minus strand). Cytogenetic location: 8q22.1.
Variant type: single nucleotide variant.
Coding change: c.1268C>A on transcript NM_001001557.4 (MANE Select); coding-DNA position 1268, C replaced by A.
Protein change: p.Thr423Asn; replaces threonine 423 with asparagine.
Molecular consequence: missense variant.
Genome position (GRCh38, 1-based): chr8:96,144,663, G>T on the plus strand (C>A on the coding strand, the complement: GDF6 is on the minus strand). VCF-style: chr8-96144663-G-T. GRCh37 (hg19) VCF-style: chr8-97156891-G-T.
Other names: short protein forms T423N.
Identifiers: ClinVar variation 4795889 (VCV004795889.1).
Genomic context (GRCh38, chr8:96,144,663, plus strand): 5'-TGCTTGTAGACCACATTATTGCCCGCGTCGATGTATAGAATGCTGATGGGAGTCAATTTG[G>T]TGGGCACGCAGCAGCTGGGCGGGGTGGAGCCGGGGTCCATGGAGTTCATCAGCGTCTGGA-3'
Protein context (NP_001001557.1, residues 413-433): GSTPPSCCVP[Thr423Asn]KLTPISILYI

ClinVar aggregate classification (germline): Likely benign (1 of 4 stars; one submission).

Conditions:
Microphthalmia, isolated, with coloboma 6 (MCOPCB6). Also called: Microphthalmia with coloboma 6, digenic; Microphthalmia with coloboma 6; MICROPHTHALMIA/COLOBOMA 6. Identifiers: Orphanet 98938, MedGen C3150968, MONDO:0013376, OMIM 613703.

Submission:

Centre for Medical Genetics,  Mumbai
Classification: Likely benign for Microphthalmia, isolated, with coloboma 6. Last evaluated: 2026-02-09. Review status: criteria provided, single submitter. Criteria: ACMG Guidelines, 2015. Collection method: provider interpretation. Allele origin: germline. Inheritance: Autosomal dominant inheritance. Affected: no. Observed: 1 heterozygote.
Comment: The variant satisfies PM2 criteria; Extremely low frequency in gnomAD population databases. The variant satisfies PP3 criteria; For a missense or a splicing region variant, computational prediction tools unanimously support a deleterious effect on the gene. However, the variant satisfies BS2 criteria.

Literature cited by the submitters: PubMed 19864492.